The following is an entry in ClinVar:

NM_001184.4(ATR):c.2840C>T (p.Thr947Ile)

Gene: ATR (ATR checkpoint kinase; minus strand). Cytogenetic location: 3q23.
Variant type: single nucleotide variant.
Coding change: c.2840C>T on transcript NM_001184.4 (MANE Select); coding-DNA position 2840, C replaced by T.
Protein change: p.Thr947Ile; replaces threonine 947 with isoleucine.
Molecular consequence: missense variant.
Genome position (GRCh38, 1-based): chr3:142,550,268, G>A on the plus strand (C>T on the coding strand, the complement: ATR is on the minus strand). VCF-style: chr3-142550268-G-A. GRCh37 (hg19) VCF-style: chr3-142269110-G-A.
Other names: c.2648C>T, p.Thr883Ile (NM_001354579.2); short protein forms T883I, T947I.
Identifiers: ClinVar variation 3343190 (VCV003343190.2).

ClinVar aggregate classification (germline): Uncertain significance. Review status: criteria provided, multiple submitters, no conflicts (2 of 4 stars). 2 submissions from 2 submitters: Uncertain significance (2). Last evaluated 2025-05-22.

gnomAD v4.1: 18 of 1,614,056 alleles (0.0011%); highest among the groups gnomAD compares: Non-Finnish European, 0.0014%; no homozygotes.

Submissions (2):

Labcorp Genetics (formerly Invitae), Labcorp
Classification: Uncertain significance. Last evaluated: 2025-05-22. Review status: criteria provided, single submitter. Criteria: Invitae Variant Classification Sherloc (09022015). Collection method: clinical testing. Allele origin: germline.
Comment: This sequence change replaces threonine, which is neutral and polar, with isoleucine, which is neutral and non-polar, at codon 947 of the ATR protein (p.Thr947Ile). This variant is present in population databases (rs771445846, gnomAD 0.002%). This variant has not been reported in the literature in individuals affected with ATR-related conditions. ClinVar contains an entry for this variant (Variation ID: 3343190). An algorithm developed to predict the effect of missense changes on protein structure and function (PolyPhen-2) suggests that this variant is likely to be tolerated. In summary, the available evidence is currently insufficient to determine the role of this variant in disease. Therefore, it has been classified as a Variant of Uncertain Significance.

GeneDx
Classification: Uncertain significance. Last evaluated: 2023-05-01. Review status: criteria provided, single submitter. Criteria: GeneDx Variant Classification Process June 2021. Collection method: clinical testing. Allele origin: germline. Affected: yes.
Comment: Not observed at significant frequency in large population cohorts (gnomAD); In silico analysis supports that this missense variant does not alter protein structure/function; Has not been previously published as pathogenic or benign to our knowledge